The following is an entry in ClinVar:

NM_022168.4(IFIH1):c.32T>C (p.Phe11Ser)

Gene: IFIH1 (interferon induced with helicase C domain 1; minus strand). Cytogenetic location: 2q24.2.
Variant type: single nucleotide variant.
Coding change: c.32T>C on transcript NM_022168.4 (MANE Select); coding-DNA position 32, T replaced by C.
Protein change: p.Phe11Ser; replaces phenylalanine 11 with serine.
Molecular consequence: missense variant.
Genome position (GRCh38, 1-based): chr2:162,318,276, A>G on the plus strand (T>C on the coding strand, the complement: IFIH1 is on the minus strand). VCF-style: chr2-162318276-A-G. GRCh37 (hg19) VCF-style: chr2-163174786-A-G.
Other names: c.32T>C (NM_022168.2); short protein forms F11S.
Identifiers: ClinVar variation 1299357 (VCV001299357.10), dbSNP rs1355798943, ClinGen allele CA349014908.

ClinVar aggregate classification (germline): Uncertain significance. Review status: criteria provided, multiple submitters, no conflicts (2 of 4 stars). 3 submissions from 3 submitters: Uncertain significance (3). Last evaluated 2022-07-20.

Conditions:
Aicardi-Goutieres syndrome 7 (AGS7). Identifiers: Orphanet 51, MedGen C3888244, MONDO:0014367, OMIM 615846.
Singleton-Merten syndrome 1 (SGMRT1). Also called: Widened medullary cavities of bone, aortic calcification, abnormal dentition, and muscular weakness; Syndrome of widened medullary cavities of the metacarpals and phalanges, aortic calcification and abnormal dentition. Identifiers: Orphanet 85191, MedGen C4225427, MONDO:0024535, OMIM 182250.
Inborn genetic diseases. Identifiers: MedGen C0950123, MeSH D030342.

Allele frequency attached by ClinVar (database versions not stated): gnomAD exomes below 0.00001 and 0.00001; TOPMed 0.00001.

Submissions (3):

Ambry Genetics
Classification: Uncertain significance for Inborn genetic diseases. Last evaluated: 2022-07-20. Review status: criteria provided, single submitter. Criteria: Ambry Variant Classification Scheme 2023. Collection method: clinical testing. Allele origin: germline.

Breda Genetics srl
Classification: Uncertain significance for Aicardi-Goutieres syndrome 7. Last evaluated: 2021-03-03. Review status: criteria provided, single submitter. Criteria: ACMG Guidelines, 2015. Collection method: clinical testing. Allele origin: germline. Inheritance: Autosomal dominant inheritance. Affected: yes. Observed: 1 variant allele, 1 heterozygote.
Comment: Based on allele frequency, in-silico prediction scores and a certain overlap with the clinical phenotype, we interpreted this variant at least as of uncertain significance. The lack of one or more of the following features has discouraged further investigations: lack of a possible second hit in autosomal recessive conditions, presence of healthy controls in databases for autosomal dominant conditions, presence of unmatching cardinal clinical features in the patient or in the known gene-disease association, and/or variant type outside the known gene mutational spectrum.

Labcorp Genetics (formerly Invitae), Labcorp
Classification: Uncertain significance for Aicardi-Goutieres syndrome 7; Singleton-Merten syndrome 1. Last evaluated: 2020-12-17. Review status: criteria provided, single submitter. Criteria: Invitae Variant Classification Sherloc (09022015). Collection method: clinical testing. Allele origin: germline.
Comment: In summary, the available evidence is currently insufficient to determine the role of this variant in disease. Therefore, it has been classified as a Variant of Uncertain Significance. Algorithms developed to predict the effect of missense changes on protein structure and function (SIFT, PolyPhen-2, Align-GVGD) all suggest that this variant is likely to be tolerated, but these predictions have not been confirmed by published functional studies and their clinical significance is uncertain. This variant has not been reported in the literature in individuals with IFIH1-related conditions. This variant is not present in population databases (ExAC no frequency). This sequence change replaces phenylalanine with serine at codon 11 of the IFIH1 protein (p.Phe11Ser). The phenylalanine residue is moderately conserved and there is a large physicochemical difference between phenylalanine and serine.